The following is an entry in ClinVar:

ClinVar aggregate classification (germline): Uncertain significance. Review status: criteria provided, multiple submitters, no conflicts (2 of 4 stars). 2 submissions from 2 submitters: Uncertain significance (2). Last evaluated 2022-08-29.

Conditions:
Joubert syndrome 23 (JBTS23). Identifiers: Orphanet 475, MedGen C4084822, MONDO:0014664, OMIM 616490.
Short-rib thoracic dysplasia 14 with polydactyly (SRTD14). Identifiers: Orphanet 397715, MedGen C4225286, MONDO:0014688, OMIM 616546.

Allele frequency attached by ClinVar (database versions not stated): gnomAD exomes 0.00005; ExAC 0.00007; gnomAD 0.00014 and 0.00015; TOPMed 0.00017.
gnomAD v4.1: 54 of 1,613,562 alleles (0.0033%); highest among the groups gnomAD compares: African/African-American, 0.052%; no homozygotes.

Submissions (2):

Labcorp Genetics (formerly Invitae), Labcorp
Classification: Uncertain significance for Joubert syndrome 23; Short-rib thoracic dysplasia 14 with polydactyly. Last evaluated: 2022-08-29. Review status: criteria provided, single submitter. Criteria: Invitae Variant Classification Sherloc (09022015). Collection method: clinical testing. Allele origin: germline.
Comment: This sequence change replaces alanine, which is neutral and non-polar, with valine, which is neutral and non-polar, at codon 1179 of the KIAA0586 protein (p.Ala1179Val). This variant is present in population databases (rs750969059, gnomAD 0.04%). This variant has not been reported in the literature in individuals affected with KIAA0586-related conditions. ClinVar contains an entry for this variant (Variation ID: 1314619). Algorithms developed to predict the effect of missense changes on protein structure and function output the following: SIFT: "Tolerated"; PolyPhen-2: "Benign"; Align-GVGD: "Class C0". The valine amino acid residue is found in multiple mammalian species, which suggests that this missense change does not adversely affect protein function. In summary, the available evidence is currently insufficient to determine the role of this variant in disease. Therefore, it has been classified as a Variant of Uncertain Significance.

GeneDx
Classification: Uncertain significance. Last evaluated: 2021-04-12. Review status: criteria provided, single submitter. Criteria: GeneDx Variant Classification Process June 2021. Collection method: clinical testing. Allele origin: germline. Affected: yes.
Comment: In silico analysis supports that this missense variant does not alter protein structure/function; Has not been previously published as pathogenic or benign to our knowledge

NM_001329943.3(KIAA0586):c.3377C>T (p.Ala1126Val)

Gene: KIAA0586 (KIAA0586; plus strand). Cytogenetic location: 14q23.1.
Variant type: single nucleotide variant.
Coding change: c.3377C>T on transcript NM_001329943.3 (MANE Select); coding-DNA position 3377, C replaced by T.
Protein change: p.Ala1126Val; replaces alanine 1126 with valine.
Molecular consequence: missense variant.
Genome position (GRCh38, 1-based): chr14:58,487,959, C>T. VCF-style: chr14-58487959-C-T. GRCh37 (hg19) VCF-style: chr14-58954677-C-T.
Other names: c.3536C>T, p.Ala1179Val (NM_001244189.2); c.3332C>T, p.Ala1111Val (NM_001244190.2); c.3122C>T, p.Ala1041Val (NM_001244191.2, NM_001329945.2, NM_001364700.1 and 1 more transcripts); c.3245C>T, p.Ala1082Val (NM_001244192.2); c.2957C>T, p.Ala986Val (NM_001244193.2); c.3377C>T, p.Ala1126Val (NM_001329944.2, NM_001329946.2, NM_001329947.2); c.3149C>T, p.Ala1050Val (NM_014749.5); short protein forms A1041V, A1050V, A1082V, A1111V, A1126V, A1179V, A986V.
Identifiers: ClinVar variation 1314619 (VCV001314619.4), dbSNP rs750969059, ClinGen allele CA7206147.